The following is an entry in ClinVar:

NM_003070.5(SMARCA2):c.2844G>T (p.Arg948Ser)

Gene: SMARCA2 (SWI/SNF related BAF chromatin remodeling complex subunit ATPase 2; plus strand). Cytogenetic location: 9p24.3.
Variant type: single nucleotide variant.
Coding change: c.2844G>T on transcript NM_003070.5 (MANE Select); coding-DNA position 2844, G replaced by T.
Protein change: p.Arg948Ser; replaces arginine 948 with serine.
Molecular consequence: missense variant.
Genome position (GRCh38, 1-based): chr9:2,088,574, G>T. VCF-style: chr9-2088574-G-T. GRCh37 (hg19) VCF-style: chr9-2088574-G-T.
Other names: c.2844G>T, p.Arg948Ser (NM_001289396.2, NM_139045.4); c.2670G>T, p.Arg890Ser (NM_001289397.2); short protein forms R890S, R948S.
Identifiers: ClinVar variation 2637437 (VCV002637437.1), dbSNP rs2537347521, ClinGen allele CA372785527.

ClinVar aggregate classification (germline): Uncertain significance (1 of 4 stars; one submission).

Submission:

Women's Health and Genetics/Laboratory Corporation of America, LabCorp
Classification: Uncertain significance. Last evaluated: 2023-10-24. Review status: criteria provided, single submitter. Criteria: LabCorp Variant Classification Summary - May 2015. Collection method: clinical testing. Allele origin: germline.
Comment: Variant summary: SMARCA2 c.2844G>T (p.Arg948Ser) results in a non-conservative amino acid change located in the SNF2, N terminal domain (IPR000330) of the encoded protein sequence. Five of five in-silico tools predict a damaging effect of the variant on protein function. The variant was absent in 233218 control chromosomes (gnomAD). The available data on variant occurrences in the general population are insufficient to allow any conclusion about variant significance. To our knowledge, no occurrence of c.2844G>T in individuals affected with Nicolaides-Baraitser Syndrome and no experimental evidence demonstrating its impact on protein function have been reported. No submitters have cited clinical-significance assessments for this variant to ClinVar after 2014. Based on the evidence outlined above, the variant was classified as uncertain significance.